The following is an entry in ClinVar:

NM_022436.3(ABCG5):c.1852T>C (p.Ser618Pro)

Genes: ABCG5 (ATP binding cassette subfamily G member 5; minus strand), DYNC2LI1 (dynein cytoplasmic 2 light intermediate chain 1; plus strand). Cytogenetic location: 2p21.
Variant type: single nucleotide variant.
Coding change: c.1852T>C on transcript NM_022436.3 (MANE Select); coding-DNA position 1852, T replaced by C.
Protein change: p.Ser618Pro; replaces serine 618 with proline.
Molecular consequence: missense variant. On other transcripts: intron variant (2).
Genome position (GRCh38, 1-based): chr2:43,813,220, A>G on the plus strand (T>C on the coding strand, the complement: ABCG5 is on the minus strand). VCF-style: chr2-43813220-A-G. GRCh37 (hg19) VCF-style: chr2-44040359-A-G.
Other names: p.Ser618Pro; c.1852T>C (NM_022436.2); c.*15+2696A>G (NM_001348913.2, NM_001348912.2); short protein forms S618P.
Identifiers: ClinVar variation 4540637 (VCV004540637.2).

ClinVar aggregate classification (germline): Uncertain significance. Review status: criteria provided, multiple submitters, no conflicts (2 of 4 stars). 2 submissions from 2 submitters: Uncertain significance (2). Last evaluated 2026-04-07.

Conditions:
ABCG5-related disorder. Also called: ABCG5-related condition.

gnomAD v4.1: 20 of 1,612,078 alleles (0.0012%); highest among the groups gnomAD compares: Admixed American, 0.0033%; no homozygotes.

Submissions (2):

PreventionGenetics, part of Exact Sciences
Classification: Uncertain significance for ABCG5-related condition. Last evaluated: 2026-04-07. Review status: criteria provided, single submitter. Criteria: ACMG Guidelines, 2015. Collection method: clinical testing. Allele origin: germline.
Comment: The ABCG5 c.1852T>C variant is predicted to result in the amino acid substitution p.Ser618Pro. To our knowledge, this variant has not been reported in the literature. This variant is reported in 0.0062% of alleles in individuals of African descent in gnomAD. At this time, the clinical significance of this variant is uncertain due to the absence of conclusive functional and genetic evidence.

Mayo Clinic Laboratories, Mayo Clinic
Classification: Uncertain significance. Last evaluated: 2025-08-13. Review status: criteria provided, single submitter. Criteria: ACMG Guidelines, 2015. Collection method: clinical testing. Allele origin: germline. Observed: 1 variant allele.
Comment: BP4

Literature cited by the submitters: PubMed 36555767 (cited by Mayo Clinic Laboratories, Mayo Clinic).